The following is an entry in ClinVar:

NM_000077.5(CDKN2A):c.104G>T (p.Gly35Val)

Gene: CDKN2A (cyclin dependent kinase inhibitor 2A; minus strand). Cytogenetic location: 9p21.3.
Variant type: single nucleotide variant.
Coding change: c.104G>T on transcript NM_000077.5; coding-DNA position 104, G replaced by T.
Protein change: p.Gly35Val; replaces glycine 35 with valine.
Molecular consequence: missense variant (on NM_000077.6). On other transcripts: intron variant (2).
Genome position (GRCh38, 1-based): chr9:21,974,724, C>A on the plus strand (G>T on the coding strand, the complement: CDKN2A is on the minus strand). VCF-style: chr9-21974724-C-A. GRCh37 (hg19) VCF-style: chr9-21974723-C-A.
Other names: c.104G>T, p.Gly35Val (NM_000077.6, NM_001195132.2, NM_058197.5); c.-3-3516G>T (NM_001363763.2); c.194-3516G>T (NM_058195.4); short protein forms G35V.
Identifiers: ClinVar variation 406709 (VCV000406709.10), dbSNP rs746834149, ClinGen allele CA16612791.

ClinVar aggregate classification (germline): Uncertain significance. Review status: criteria provided, multiple submitters, no conflicts (2 of 4 stars). 3 submissions from 3 submitters: Uncertain significance (3). Last evaluated 2025-07-31.

Conditions:
Hereditary cancer-predisposing syndrome. Also called: Neoplastic Syndromes, Hereditary; Tumor predisposition; Hereditary Cancer Syndrome; Hereditary neoplastic syndrome. Identifiers: Orphanet 140162, MedGen C0027672, MeSH D009386, MONDO:0015356.
Familial melanoma. Also called: Hereditary melanoma; Hereditary cutaneous melanoma. Identifiers: Orphanet 618, MedGen C1512419, MONDO:0018961.

gnomAD v4.1: 1 of 1,613,104 alleles (0.000062%); highest among the groups gnomAD compares: Admixed American, 0.0017%; no homozygotes.

Submissions (3):

Quest Diagnostics Nichols Institute San Juan Capistrano
Classification: Uncertain significance. Last evaluated: 2025-07-31. Review status: criteria provided, single submitter. Criteria: Quest Diagnostics criteria. Collection method: clinical testing. Allele origin: unknown.
Comment: The CDKN2A c.104G>T (p.Gly35Val) variant has been reported in the published literature in individuals and families with melanoma (PMIDs: 15937071 (2006), 19260062 (2009), 21462282 (2011), 22841127 (2012), and 28830827 (2017)). Functional studies demonstrated that this variant had an inconclusive effect on protein function (PMIDs: 19260062 (2009), 23190892 (2013), and 24659262 (2014)). The frequency of this variant in the general population (Genome Aggregation Database) is uninformative in the assessment of its pathogenicity. Analysis of this variant using bioinformatics tools for the prediction of the effect of amino acid changes on protein structure and function yielded predictions that this variant is damaging. Based on the available information, we are unable to determine the clinical significance of this variant.

Ambry Genetics
Classification: Uncertain significance for Hereditary cancer-predisposing syndrome. Last evaluated: 2025-06-11. Review status: criteria provided, single submitter. Criteria: Ambry Variant Classification Scheme 2023. Collection method: clinical testing. Allele origin: germline.
Comment: The p.G35V variant (also known as c.104G>T), located in coding exon 1 of the CDKN2A gene, results from a G to T substitution at nucleotide position 104. The glycine at codon 35 is replaced by valine, an amino acid with dissimilar properties. This alteration demonstrated loss of CDK4 binding in a functional assay (Kannengiesser C et al. Hum Mutat, 2009 Apr;30:564-74). This variant was reported in individual(s) with features consistent with melanoma-pancreatic cancer syndrome (Maubec E et al. J Am Acad Dermatol, 2012 Dec;67:1257-64). This amino acid position is highly conserved in available vertebrate species. In addition, this alteration is predicted to be deleterious by in silico analysis. Based on the available evidence, the clinical significance of this variant remains unclear.

Labcorp Genetics (formerly Invitae), Labcorp
Classification: Uncertain significance for Familial melanoma. Last evaluated: 2016-05-12. Review status: criteria provided, single submitter. Criteria: Invitae Variant Classification Sherloc (09022015). Collection method: clinical testing. Allele origin: germline.
Comment: This variant has been reported in individuals affected with familial melanoma (PMID: 19260062, 21462282) and cutaneous melanoma (PMID: 22841127, 15937071). In summary, this variant is a rare missense change that has been observed in affected individuals and has been shown to impact some aspects of protein function in vitro. However, the evidence is insufficient to prove conclusively that this variant causes disease. For these reasons, this change has been classified as a Variant of Uncertain Significance. This variant is not present in population databases (ExAC no frequency). Experimental studies in vitro have shown that this missense change impairs CDK4 binding and the ability of CDKN2A to inhibit proliferation of human diploid fibroblasts (PMID: 19260062, 24659262), but does not greatly differ from wild-type CDKN2A in its effect on cell cycle distribution or the generation of reactive oxygen species in a cell culture model (PMID: 23190892). This sequence change replaces glycine with valine at codon 35 of the CDKN2A protein (p.Gly35Val). The glycine residue is moderately conserved and there is a moderate physicochemical difference between glycine and valine.

Literature cited by the submitters: PubMed 24659262 (cited by Quest Diagnostics Nichols Institute San Juan Capistrano and Labcorp Genetics (formerly Invitae), Labcorp); PubMed 23190892 (cited by Quest Diagnostics Nichols Institute San Juan Capistrano and Labcorp Genetics (formerly Invitae), Labcorp); PubMed 22841127 (cited by 3 submitters); PubMed 21462282 (cited by Quest Diagnostics Nichols Institute San Juan Capistrano and Labcorp Genetics (formerly Invitae), Labcorp); PubMed 19260062 (cited by 3 submitters); PubMed 15937071 (cited by Quest Diagnostics Nichols Institute San Juan Capistrano and Labcorp Genetics (formerly Invitae), Labcorp); PubMed 28830827 (cited by Quest Diagnostics Nichols Institute San Juan Capistrano).